The following is an entry in ClinVar:

NM_001256447.2(BCAP31):c.714T>C (p.Asp238=)

Gene: BCAP31 (B cell receptor associated protein 31; minus strand). Cytogenetic location: Xq28.
Variant type: single nucleotide variant.
Coding change: c.714T>C on transcript NM_001256447.2 (MANE Select); coding-DNA position 714, T replaced by C.
Protein change: p.Asp238=; no amino-acid change (aspartic acid 238 retained).
Molecular consequence: synonymous variant.
Genome position (GRCh38, 1-based): chrX:153,700,964, A>G on the plus strand (T>C on the coding strand, the complement: BCAP31 is on the minus strand). VCF-style: chrX-153700964-A-G. GRCh37 (hg19) VCF-style: chrX-152966419-A-G.
Other names: c.714T>C, p.Asp238= (NM_001139441.1, NM_005745.8); c.915T>C, p.Asp305= (NM_001139457.2).
Identifiers: ClinVar variation 2661709 (VCV002661709.24), dbSNP rs2522184933, ClinGen allele CA519194147.
Genomic context (GRCh38, chrX:153,700,964, plus strand): 5'-AAGCCAGCTGCAGGCAGGGGAGGAAGGAGGCCCTTACTCTTCCTTCTTGTCCATGGGACC[A>G]TCTACTGCAGCCTGGAAAGGGACAGAAATCCCACAGCAGTAGGTTGGCCGGGTCCACTCC-3'
Protein context (NP_001243376.1, residues 228-246): EEHAKLQAAV[Asp238=]GPMDKKEE

ClinVar aggregate classification (germline): Likely benign (1 of 4 stars; one submission).

Allele frequency attached by ClinVar (database versions not stated): gnomAD exomes below 0.00001.
gnomAD v4.1: 4 of 1,207,492 alleles (0.00033%); highest among the groups gnomAD compares: Non-Finnish European, 0.00045%; no homozygotes.

Submission:

CeGaT Center for Human Genetics Tuebingen
Classification: Likely benign. Last evaluated: 2022-03-01. Review status: criteria provided, single submitter. Criteria: CeGaT Center For Human Genetics Tuebingen Variant Classification Criteria Version 2. Collection method: clinical testing. Allele origin: germline. Affected: yes. Observed: 1 variant allele.
Comment: BCAP31: BP4, BP7